The following is an entry in ClinVar:

ClinVar aggregate classification (germline): Benign. Review status: criteria provided, single submitter (1 of 4 stars). 2 submissions from 1 submitter: Benign (2). Last evaluated 2018-01-12.

Conditions:
Isolated focal cortical dysplasia type II (FCORD2). Also called: CORTICAL DYSPLASIA OF TAYLOR; Focal cortical dysplasia type II. Identifiers: Orphanet 268994, MedGen C1846385, MONDO:0011818, OMIM 607341, HP:0032051.
Tuberous sclerosis 1 (TSC1). Identifiers: Orphanet 805, MedGen C1854465, MONDO:0008612, OMIM 191100.

Allele frequency attached by ClinVar (database versions not stated): gnomAD 0.00002 and 0.00005; TOPMed 0.00007; gnomAD exomes 0.00011; 1000 Genomes Project 0.00060; 1000 Genomes Project 30x 0.00062.
gnomAD v4.1: 17 of 233,266 alleles (0.0073%); highest among the groups gnomAD compares: East Asian, 0.091%; no homozygotes.

Submissions (2):

Illumina Laboratory Services, Illumina
Classification: Benign for Tuberous sclerosis 1. Last evaluated: 2018-01-12. Review status: criteria provided, single submitter. Criteria: ICSL Variant Classification Criteria 13 December 2019. Collection method: clinical testing. Allele origin: germline.
Comment: This variant was observed in the ICSL laboratory as part of a predisposition screen in an ostensibly healthy population. It had not been previously curated by ICSL or reported in the Human Gene Mutation Database (HGMD: prior to June 1st, 2018), and was therefore a candidate for classification through an automated scoring system. Utilizing variant allele frequency, disease prevalence and penetrance estimates, and inheritance mode, an automated score was calculated to assess if this variant is too frequent to cause the disease. Based on the score and internal cut-off values, a variant classified as benign is not then subjected to further curation. The score for this variant resulted in a classification of benign for this disease.

Illumina Laboratory Services, Illumina
Classification: Benign for Isolated focal cortical dysplasia type II. Last evaluated: 2018-01-12. Review status: criteria provided, single submitter. Criteria: ICSL Variant Classification Criteria 13 December 2019. Collection method: clinical testing. Allele origin: germline.
Comment: the same text as in the submission from Illumina Laboratory Services, Illumina above.

NM_000368.5(TSC1):c.*1052G>A

Gene: TSC1 (TSC complex subunit 1; minus strand). Cytogenetic location: 9q34.13.
Variant type: single nucleotide variant.
Coding change: c.*1052G>A on transcript NM_000368.5 (MANE Select); 1052 bases downstream of the stop codon, G replaced by A.
Molecular consequence: 3 prime UTR variant.
Genome position (GRCh38, 1-based): chr9:132,895,183, C>T on the plus strand (G>A on the coding strand, the complement: TSC1 is on the minus strand). VCF-style: chr9-132895183-C-T. GRCh37 (hg19) VCF-style: chr9-135770570-C-T.
Other names: c.*1052G>A (NM_001162426.2, NM_001162427.2, NM_001362177.2).
Identifiers: ClinVar variation 365482 (VCV000365482.5), dbSNP rs562950766, ClinGen allele CA10629344.